The following is an entry in ClinVar:

NM_201384.3(PLEC):c.3502G>A (p.Gly1168Arg)

Gene: PLEC (plectin; minus strand). Cytogenetic location: 8q24.3.
Variant type: single nucleotide variant.
Coding change: c.3502G>A on transcript NM_201384.3 (MANE Select); coding-DNA position 3502, G replaced by A.
Protein change: p.Gly1168Arg; replaces glycine 1168 with arginine.
Molecular consequence: missense variant.
Genome position (GRCh38, 1-based): chr8:143,927,664, C>T on the plus strand (G>A on the coding strand, the complement: PLEC is on the minus strand). VCF-style: chr8-143927664-C-T. GRCh37 (hg19) VCF-style: chr8-145001832-C-T.
Other names: c.3583G>A, p.Gly1195Arg (NM_000445.5); c.3460G>A, p.Gly1154Arg (NM_201378.4); c.3436G>A, p.Gly1146Arg (NM_201379.3); c.3913G>A, p.Gly1305Arg (NM_201380.4); c.3406G>A, p.Gly1136Arg (NM_201381.3); c.3502G>A, p.Gly1168Arg (NM_201382.4); c.3514G>A, p.Gly1172Arg (NM_201383.3); short protein forms G1154R, G1172R, G1136R, G1146R, G1305R, G1168R, G1195R.
Identifiers: ClinVar variation 1493506 (VCV001493506.9), dbSNP rs782308522, ClinGen allele CA4927038.
Genomic context (GRCh38, chr8:143,927,664, plus strand): 5'-AGCGCTCAAGCAACTGGGCGACCCGCTCCCGCCAGCGCTCCACCTCCACGTCCCGCTCCC[C>T]GTGCCGCTGCTGCAGTCGCTCCCCCACCTCCTGTGCCCCCCGCAGCTCATCCCGCAGGGC-3'
Protein context (NP_958786.1, residues 1158-1178): EVGERLQQRH[Gly1168Arg]ERDVEVERWR

ClinVar aggregate classification (germline): Uncertain significance. Review status: criteria provided, multiple submitters, no conflicts (2 of 4 stars). 3 submissions from 3 submitters: Uncertain significance (3). Last evaluated 2025-11-12.

Conditions:
Autosomal recessive limb-girdle muscular dystrophy type 2Q (LGMDR17). Also called: MUSCULAR DYSTROPHY, LIMB-GIRDLE, AUTOSOMAL RECESSIVE 17. Identifiers: Orphanet 254361, MedGen C3150989, MONDO:0013390, OMIM 613723.
Epidermolysis bullosa simplex 5B, with muscular dystrophy (EBS5B). Also called: EPIDERMOLYSIS BULLOSA SIMPLEX AND LIMB-GIRDLE MUSCULAR DYSTROPHY; Epidermolysis bullosa simplex with muscular dystrophy. Identifiers: Orphanet 257, MedGen C2931072, MONDO:0009181, OMIM 226670.
Epidermolysis bullosa simplex, Ogna type (EBS5A). Also called: Pidermolysis bullosa simplex 5A, Ogna type; EPIDERMOLYSIS BULLOSA SIMPLEX 5A, OGNA TYPE. Identifiers: Orphanet 79401, MedGen C0432317, MONDO:0007555, OMIM 131950.
Epidermolysis bullosa simplex 5C, with pyloric atresia (EBS5C). Also called: PLEC1-Related Epidermolysis Bullosa with Pyloric Atresia; PLEC-Related Epidermolysis Bullosa with Pyloric Atresia; Epidermolysis bullosa simplex with pyloric atresia. Identifiers: Orphanet 158684, MedGen C2677349, MONDO:0012807, OMIM 612138.
Epidermolysis bullosa simplex with nail dystrophy (EBS5D). Identifiers: MedGen C4225309, MONDO:0014661, OMIM 616487.

Allele frequency attached by ClinVar (database versions not stated): gnomAD 0.00001; TOPMed 0.00002; gnomAD exomes 0.00003; ExAC 0.00005.

Submissions (3):

Dasa
Classification: Uncertain significance. Last evaluated: 2025-11-12. Review status: criteria provided, single submitter. Criteria: DASA Assertion Criteria. Collection method: clinical testing. Allele origin: germline.
Comment: NM_201384.3(PLEC):c.3502G>A (p.Gly1168Arg) is a missense variant that results in the substitution of glycine with arginine. This variant is rare in population databases. Computational prediction algorithms are consistent with a benign effect. The currently available literature and clinical evidence are not sufficient to establish a definitive association between this variant and the reported condition. Therefore, this variant is classified as a variant of uncertain significance.

Labcorp Genetics (formerly Invitae), Labcorp
Classification: Uncertain significance for Autosomal recessive limb-girdle muscular dystrophy type 2Q; Epidermolysis bullosa simplex, Ogna type; Epidermolysis bullosa simplex with nail dystrophy; Epidermolysis bullosa simplex 5C, with pyloric atresia; Epidermolysis bullosa simplex 5B, with muscular dystrophy. Last evaluated: 2025-10-05. Review status: criteria provided, single submitter. Criteria: Invitae Variant Classification Sherloc (09022015). Collection method: clinical testing. Allele origin: germline.
Comment: This sequence change replaces glycine, which is neutral and non-polar, with arginine, which is basic and polar, at codon 1195 of the PLEC protein (p.Gly1195Arg). This variant is present in population databases (rs782308522, gnomAD 0.02%). This variant has not been reported in the literature in individuals affected with PLEC-related conditions. ClinVar contains an entry for this variant (Variation ID: 1493506). Invitae Evidence Modeling of protein sequence and biophysical properties (such as structural, functional, and spatial information, amino acid conservation, physicochemical variation, residue mobility, and thermodynamic stability) indicates that this missense variant is not expected to disrupt PLEC protein function with a negative predictive value of 80%. In summary, the available evidence is currently insufficient to determine the role of this variant in disease. Therefore, it has been classified as a Variant of Uncertain Significance.

Blueprint Genetics
Classification: Uncertain significance. Last evaluated: 2021-09-08. Review status: criteria provided, single submitter. Criteria: ACMG Guidelines, 2015. Collection method: clinical testing. Allele origin: germline.